The following is an entry in ClinVar:

ClinVar aggregate classification (germline): Benign (1 of 4 stars; one submission).

Conditions:
Colorectal cancer, hereditary nonpolyposis, type 7. Identifiers: Orphanet 144, MedGen C1858380, MONDO:0013725, OMIM 614385.

Submission:

Myriad Genetics, Inc.
Classification: Benign for Colorectal cancer, hereditary nonpolyposis, type 7. Last evaluated: 2026-04-30. Review status: criteria provided, single submitter. Criteria: Myriad Autosomal Dominant, Autosomal Recessive and X-Linked Classification Criteria (2023). Collection method: clinical testing. Allele origin: unknown.
Comment: This variant is considered benign. This variant is a silent/synonymous amino acid change and it is not expected to impact splicing.

NM_001040108.2(MLH3):c.1602T>C (p.Val534=)

Gene: MLH3 (mutL homolog 3; minus strand). Cytogenetic location: 14q24.3.
Variant type: single nucleotide variant.
Coding change: c.1602T>C on transcript NM_001040108.2 (MANE Select); coding-DNA position 1602, T replaced by C.
Protein change: p.Val534=; no amino-acid change (valine 534 retained).
Molecular consequence: synonymous variant.
Genome position (GRCh38, 1-based): chr14:75,048,054, A>G on the plus strand (T>C on the coding strand, the complement: MLH3 is on the minus strand). VCF-style: chr14-75048054-A-G. GRCh37 (hg19) VCF-style: chr14-75514757-A-G.
Other names: c.1602T>C, p.Val534= (NM_014381.3).
Identifiers: ClinVar variation 4875869 (VCV004875869.1).
Genomic context (GRCh38, chr14:75,048,054, plus strand): 5'-AAATCTCTTTGGTTGATTCTGAATTCTATTATTTTTCAAGATGTTGGCAGCCATGCCATT[A>G]ACAGTAGTACTTTCTTTCCATATTTCTAGATCCTGCCCACTCTCCTCAAAGTGACATGGT-3'
Protein context (NP_001035197.1, residues 524-544): DLEIWKESTT[Val534=]NGMAANILKN